The following is an entry in ClinVar:

NM_199242.3(UNC13D):c.3183del (p.Lys1062fs)

Gene: UNC13D (unc-13 homolog D; minus strand). Cytogenetic location: 17q25.1.
Variant type: Deletion.
Coding change: c.3183del on transcript NM_199242.3 (MANE Select); coding-DNA position 3183, one base deleted (G; older notation c.3183delG).
Protein change: p.Lys1062fs; shifts the reading frame from lysine 1062.
Molecular consequence: frameshift variant.
Genome position (GRCh38, 1-based): chr17:75,828,055, C deleted on the plus strand (G on the coding strand, the reverse complement: UNC13D is on the minus strand); the first of 2 consecutive C bases (chr17:75,828,055-75,828,056); deleting either gives the same sequence. VCF-style (leftmost placement, unchanged base first): chr17-75828054-TC-T. GRCh37 (hg19) VCF-style: chr17-73824135-TC-T.
Other names: short protein forms K1062fs.
Identifiers: ClinVar variation 2714803 (VCV002714803.3), dbSNP rs2545974359, ClinGen allele CA2639893764.

ClinVar aggregate classification (germline): Pathogenic (1 of 4 stars; one submission).

Conditions:
Familial hemophagocytic lymphohistiocytosis 3 (FHL3). Also called: UNC13D-Related Familial Hemophagocytic Lymphohistiocytosis (UNC13D-fHLH). Identifiers: Orphanet 540, MedGen C1837174, MONDO:0012146, OMIM 608898.

Submission:

Labcorp Genetics (formerly Invitae), Labcorp
Classification: Pathogenic for Familial hemophagocytic lymphohistiocytosis 3. Last evaluated: 2025-08-15. Review status: criteria provided, single submitter. Criteria: Invitae Variant Classification Sherloc (09022015). Collection method: clinical testing. Allele origin: germline.
Comment: This sequence change creates a premature translational stop signal (p.Lys1062Argfs*10) in the UNC13D gene. While this is not anticipated to result in nonsense mediated decay, it is expected to disrupt the last 29 amino acid(s) of the UNC13D protein. This variant is not present in population databases (gnomAD no frequency). This variant has not been reported in the literature in individuals affected with UNC13D-related conditions. ClinVar contains an entry for this variant (Variation ID: 2714803). This variant disrupts a region of the UNC13D protein in which other variant(s) (p.Arg1065*) have been determined to be pathogenic (PMID: 16278825, 21248318, 32542393). This suggests that this is a clinically significant region of the protein, and that variants that disrupt it are likely to be disease-causing. For these reasons, this variant has been classified as Pathogenic.

Literature cited by the submitters: PubMed 16278825; PubMed 21248318; PubMed 32542393.